The following is an entry in ClinVar:

NM_001163435.3(TBCK):c.2044_2048del (p.Phe682fs)

Gene: TBCK (TBC1 domain containing kinase; minus strand). Cytogenetic location: 4q24.
Variant type: Microsatellite.
Coding change: c.2044_2048del on transcript NM_001163435.3 (MANE Select); coding-DNA positions 2044 to 2048, 5 bases deleted (TTCTC; older notation c.2044_2048delTTCTC).
Protein change: p.Phe682fs; shifts the reading frame from phenylalanine 682.
Molecular consequence: frameshift variant.
Genome position (GRCh38, 1-based): chr4:106,193,620-106,193,624, GAGAA deleted on the plus strand (TTCTC on the coding strand, the reverse complement: TBCK is on the minus strand); deleting any 5 consecutive bases within chr4:106,193,620-106,193,631 gives the same sequence; the c. name uses the placement nearest the transcript's 3' end. VCF-style (leftmost placement, unchanged base first): chr4-106193619-GGAGAA-G. GRCh37 (hg19) VCF-style: chr4-107114776-GGAGAA-G.
Other names: NM_001163435.3(TBCK):c.2044_2048del; p.Phe682fs; c.2044_2048del, p.Phe682fs (NM_001163436.4); c.1927_1931del, p.Phe643fs (NM_001163437.3); c.1528_1532del, p.Phe510fs (NM_001290768.2); c.1855_1859del, p.Phe619fs (NM_033115.5); short protein forms F510fs, F619fs, F643fs, F682fs.
Identifiers: ClinVar variation 1331665 (VCV001331665.6), dbSNP rs778000956, ClinGen allele CA3034824.

ClinVar aggregate classification (germline): Likely pathogenic. Review status: criteria provided, multiple submitters, no conflicts (2 of 4 stars). 3 submissions from 3 submitters: Likely pathogenic (3). Last evaluated 2025-01-13.

Conditions:
TBCK-related disorder. Also called: TBCK-related disorders; TBCK-related condition.
Hypotonia, infantile, with psychomotor retardation and characteristic facies 3 (IHPRF3). Also called: TBCK-Related Neurodevelopmental Disorder. Identifiers: Orphanet 488632, MedGen C5567480, MONDO:0014823, OMIM 616900.

Submissions (3):

Broad Center for Mendelian Genomics, Broad Institute of MIT and Harvard
Classification: Likely pathogenic for Hypotonia, infantile, with psychomotor retardation and characteristic facies 3. Last evaluated: 2025-01-13. Review status: criteria provided, single submitter. Criteria: ACMG Guidelines, 2015. Collection method: curation. Allele origin: germline. Inheritance: Autosomal recessive inheritance.
Comment: The p.Phe682fs variant in TBCK has not been previously reported in the literature in individuals with TBCK-related intellectual disability syndrome, but has been identified in 0.002% (1/59912) of Latino/Admixed American chromosomes by the Genome Aggregation Database (gnomAD; dbSNP ID: rs557016175). Although this variant has been seen in the general population in a heterozygous state, its frequency is low enough to be consistent with a recessive carrier frequency. This variant has also been reported in ClinVar (Variation ID: 1331665) and has been interpreted as likely pathogenic by Greenwood Genetic Center Diagnostic Laboratories. This variant is predicted to cause a frameshift, which alters the protein‚Äôs amino acid sequence beginning at position 682 and leads to a premature termination codon 6 amino acids downstream. This alteration is then predicted to lead to a truncated or absent protein. Loss of function of the TBCK gene is an established disease mechanism in autosomal recessive TBCK-related intellectual disability syndrome. In summary, although additional studies are required to fully establish its clinical significance, this variant is likely pathogenic for autosomal recessive TBCK-related intellectual disability syndrome. ACMG/AMP Criteria applied: PVS1, PM2_supporting (Richards 2015).

Greenwood Genetic Center Diagnostic Laboratories, Greenwood Genetic Center
Classification: Likely pathogenic. Last evaluated: 2021-01-28. Review status: criteria provided, single submitter. Criteria: ACMG Guidelines, 2015. Collection method: clinical testing. Allele origin: germline. Affected: yes.
Comment: PVS1, PM2

Blueprint Genetics
Classification: Likely pathogenic for TBCK-related disorders. Last evaluated: 2020-04-02. Review status: criteria provided, single submitter. Criteria: ACMG Guidelines, 2015. Collection method: clinical testing. Allele origin: germline. Affected: yes. Observed: 1 variant allele.